The following is an entry in ClinVar:

NM_213653.4(HJV):c.608C>G (p.Ala203Gly)

Gene: HJV (hemojuvelin BMP co-receptor; minus strand). Cytogenetic location: 1q21.1.
Variant type: single nucleotide variant.
Coding change: c.608C>G on transcript NM_213653.4 (MANE Select); coding-DNA position 608, C replaced by G.
Protein change: p.Ala203Gly; replaces alanine 203 with glycine.
Molecular consequence: missense variant. On other transcripts: intron variant (3).
Genome position (GRCh38, 1-based): chr1:146,019,224, G>C on the plus strand (C>G on the coding strand, the complement: HJV is on the minus strand). VCF-style: chr1-146019224-G-C. GRCh37 (hg19) VCF-style: chr1-145415789-C-G.
Other names: c.608C>G, p.Ala203Gly (NM_001379352.1); c.269C>G, p.Ala90Gly (NM_145277.5); c.-21-524C>G (NM_213652.4); c.-22+474C>G (NM_202004.4, NM_001316767.2); short protein forms A90G, A203G.
Identifiers: ClinVar variation 2696090 (VCV002696090.1), dbSNP rs781980721, ClinGen allele CA1053853.

ClinVar aggregate classification (germline): Uncertain significance (1 of 4 stars; one submission).

Allele frequency attached by ClinVar (database versions not stated): ExAC 0.00001; gnomAD exomes 0.00001; gnomAD 0.00002; TOPMed 0.00002.
gnomAD v4.1: 22 of 1,614,022 alleles (0.0014%); highest among the groups gnomAD compares: South Asian, 0.0022%; no homozygotes.

Submission:

Labcorp Genetics (formerly Invitae), Labcorp
Classification: Uncertain significance. Last evaluated: 2024-01-29. Review status: criteria provided, single submitter. Criteria: Invitae Variant Classification Sherloc (09022015). Collection method: clinical testing. Allele origin: germline.
Comment: This sequence change replaces alanine, which is neutral and non-polar, with glycine, which is neutral and non-polar, at codon 203 of the HJV protein (p.Ala203Gly). This variant is present in population databases (rs781980721, gnomAD 0.003%). This variant has not been reported in the literature in individuals affected with HJV-related conditions. An algorithm developed to predict the effect of missense changes on protein structure and function (PolyPhen-2) suggests that this variant is likely to be disruptive. In summary, the available evidence is currently insufficient to determine the role of this variant in disease. Therefore, it has been classified as a Variant of Uncertain Significance.